The following is an entry in ClinVar:

ClinVar aggregate classification (germline): Uncertain significance (1 of 4 stars; one submission).

Conditions:
Inborn genetic diseases. Identifiers: MedGen C0950123, MeSH D030342.

Submission:

Ambry Genetics
Classification: Uncertain significance for Inborn genetic diseases. Last evaluated: 2017-05-31. Review status: criteria provided, single submitter. Criteria: Ambry Variant Classification Scheme 2023. Collection method: clinical testing. Allele origin: germline.
Comment: The p.P375H variant (also known as c.1124C>A), located in coding exon 8 of the SLC13A5 gene, results from a C to A substitution at nucleotide position 1124. The proline at codon 375 is replaced by histidine, an amino acid with similar properties. This amino acid position is highly conserved in available vertebrate species. In addition, the in silico prediction for this alteration is inconclusive. Since supporting evidence is limited at this time, the clinical significance of this alteration remains unclear.

NM_177550.5(SLC13A5):c.1124C>A (p.Pro375His)

Gene: SLC13A5 (solute carrier family 13 member 5; minus strand). Cytogenetic location: 17p13.1.
Variant type: single nucleotide variant.
Coding change: c.1124C>A on transcript NM_177550.5 (MANE Select); coding-DNA position 1124, C replaced by A.
Protein change: p.Pro375His; replaces proline 375 with histidine.
Molecular consequence: missense variant.
Genome position (GRCh38, 1-based): chr17:6,694,129, G>T on the plus strand (C>A on the coding strand, the complement: SLC13A5 is on the minus strand). VCF-style: chr17-6694129-G-T. GRCh37 (hg19) VCF-style: chr17-6597448-G-T.
Other names: c.1124C>A, p.Pro375His (NM_001143838.3); c.1073C>A, p.Pro358His (NM_001284509.2); c.995C>A, p.Pro332His (NM_001284510.2); short protein forms P375H, P332H, P358H.
Identifiers: ClinVar variation 589204 (VCV000589204.5), dbSNP rs1567616807, ClinGen allele CA397742511.